The following is an entry in ClinVar:

NM_002161.6(IARS1):c.276+5G>A

Gene: IARS1 (isoleucyl-tRNA synthetase 1; minus strand). Cytogenetic location: 9q22.31.
Variant type: single nucleotide variant.
Coding change: c.276+5G>A on transcript NM_002161.6 (MANE Select); 5 bases into the intron after coding-DNA position 276, G replaced by A.
Molecular consequence: intron variant.
Genome position (GRCh38, 1-based): chr9:92,288,121, C>T on the plus strand (G>A on the coding strand, the complement: IARS1 is on the minus strand). VCF-style: chr9-92288121-C-T. GRCh37 (hg19) VCF-style: chr9-95050403-C-T.
Other names: c.276+5G>A (NM_001378573.1, NM_001374301.1, NM_001378582.1 and 16 more transcripts); c.153+5G>A (NM_001378583.1).
Identifiers: ClinVar variation 1030525 (VCV001030525.1), dbSNP rs1835741921, ClinGen allele CA1864159298.

ClinVar aggregate classification (germline): Uncertain significance (1 of 4 stars; one submission).

Conditions:
Growth retardation, intellectual developmental disorder, hypotonia, and hepatopathy (GRIDHH). Also called: GROWTH RETARDATION, IMPAIRED INTELLECTUAL DEVELOPMENT, HYPOTONIA, AND HEPATOPATHY. Identifiers: Orphanet 541423, MedGen C4310720, MONDO:0014911, OMIM 617093.

Allele frequency attached by ClinVar (database versions not stated): TOPMed below 0.00001.

Submission:

Baylor Genetics
Classification: Uncertain significance for Growth retardation, intellectual developmental disorder, hypotonia, and hepatopathy. Last evaluated: 2019-06-13. Review status: criteria provided, single submitter. Criteria: ACMG Guidelines, 2015. Collection method: clinical testing. Allele origin: unknown. Affected: yes.
Comment: This variant was determined to be of uncertain significance according to ACMG Guidelines, 2015 [PMID:25741868].